The following is an entry in ClinVar:

ClinVar aggregate classification (germline): Uncertain significance (1 of 4 stars; one submission).

Conditions:
Fetal akinesia deformation sequence 1 (FADS1). Also called: Pena-Shokeir syndrome type I; Fetal akinesia sequence. Identifiers: Orphanet 994, MedGen C1276035, MONDO:0100101, OMIM 208150, HP:0001989.
Congenital myasthenic syndrome 10. Also called: Myasthenia, limb-girdle, familial. Identifiers: Orphanet 590, MedGen C1850792, MONDO:0009690, OMIM 254300.

Submission:

Labcorp Genetics (formerly Invitae), Labcorp
Classification: Uncertain significance for Congenital myasthenic syndrome 10; Fetal akinesia deformation sequence 1. Last evaluated: 2025-08-17. Review status: criteria provided, single submitter. Criteria: Invitae Variant Classification Sherloc (09022015). Collection method: clinical testing. Allele origin: germline.
Comment: This sequence change replaces serine, which is neutral and polar, with threonine, which is neutral and polar, at codon 462 of the DOK7 protein (p.Ser462Thr). This variant is not present in population databases (gnomAD no frequency). This variant has not been reported in the literature in individuals affected with DOK7-related conditions. Invitae Evidence Modeling of protein sequence and biophysical properties (such as structural, functional, and spatial information, amino acid conservation, physicochemical variation, residue mobility, and thermodynamic stability) indicates that this missense variant is not expected to disrupt DOK7 protein function with a negative predictive value of 80%. In summary, the available evidence is currently insufficient to determine the role of this variant in disease. Therefore, it has been classified as a Variant of Uncertain Significance.

NM_173660.5(DOK7):c.1385G>C (p.Ser462Thr)

Gene: DOK7 (docking protein 7; plus strand). Cytogenetic location: 4p16.3.
Variant type: single nucleotide variant.
Coding change: c.1385G>C on transcript NM_173660.5 (MANE Select); coding-DNA position 1385, G replaced by C.
Protein change: p.Ser462Thr; replaces serine 462 with threonine.
Molecular consequence: missense variant. On other transcripts: 3 prime UTR variant (1).
Genome position (GRCh38, 1-based): chr4:3,493,371, G>C. VCF-style: chr4-3493371-G-C. GRCh37 (hg19) VCF-style: chr4-3495098-G-C.
Other names: c.*606G>C (NM_001164673.2); c.455G>C, p.Ser152Thr (NM_001256896.2); c.1385G>C, p.Ser462Thr (NM_001301071.2); c.953G>C, p.Ser318Thr (NM_001363811.2); short protein forms S152T, S462T, S318T.
Identifiers: ClinVar variation 4787915 (VCV004787915.1).
Genomic context (GRCh38, chr4:3,493,371, plus strand): 5'-GTCCCTCTGGCTGGCTGGGCACGAGACGGCGGGGCCTGGTGATGGAGGCCCCCCAGGGCA[G>C]CGAGGCCACACTGCCTGGCCCTGCCCCTGGCGAGCCCTGGGAAGCAGGCGGCCCCCACGC-3'
Protein context (NP_775931.3, residues 452-472): RGLVMEAPQG[Ser462Thr]EATLPGPAPG